The following is an entry in ClinVar:

NM_002206.3(ITGA7):c.1612G>A (p.Gly538Ser)

Gene: ITGA7 (integrin subunit alpha 7; minus strand). Cytogenetic location: 12q13.2.
Variant type: single nucleotide variant.
Coding change: c.1612G>A on transcript NM_002206.3 (MANE Select); coding-DNA position 1612, G replaced by A.
Protein change: p.Gly538Ser; replaces glycine 538 with serine.
Molecular consequence: missense variant.
Genome position (GRCh38, 1-based): chr12:55,697,024, C>T on the plus strand (G>A on the coding strand, the complement: ITGA7 is on the minus strand). VCF-style: chr12-55697024-C-T. GRCh37 (hg19) VCF-style: chr12-56090808-C-T.
Other names: c.1624G>A, p.Gly542Ser (NM_001144996.2); c.1333G>A, p.Gly445Ser (NM_001144997.2); c.1285G>A, p.Gly429Ser (NM_001367993.1); c.268G>A, p.Gly90Ser (NM_001367994.1); c.1594G>A, p.Gly532Ser (NM_001374465.1); c.1744G>A, p.Gly582Ser (NM_001410977.1); c.1606G>A, p.Gly536Ser (NM_001414029.1); c.1537G>A, p.Gly513Ser (NM_001414030.1); and 5 more; short protein forms G445S, G538S, G429S, G542S, G90S, G532S, G582S, G425S.
Identifiers: ClinVar variation 581087 (VCV000581087.8), dbSNP rs1565626956, ClinGen allele CA385188462.
Genomic context (GRCh38, chr12:55,697,024, plus strand): 5'-AGGCCTGGTGCTTGGGTTCTTCCAGGTTACGGCTCAGGAACGTCACACGGGGAACCTGGC[C>T]CCGGAGCCTCCGGTCTGTGTCCGCATCTAACACATAGTCCAGGGCTGTGGCATGTTGGGA-3'
Protein context (NP_002197.2, residues 528-548): LDADTDRRLR[Gly538Ser]QVPRVTFLSR

ClinVar aggregate classification (germline): Uncertain significance (1 of 4 stars; one submission).

Conditions:
Congenital muscular dystrophy due to integrin alpha-7 deficiency. Also called: MYOPATHY, CONGENITAL, DUE TO INTEGRIN ALPHA-7 DEFICIENCY; Congenital muscular dystrophy with integrin alpha-7 deficiency; Muscular dystrophy, congenital, due to ITGA7 deficiency. Identifiers: Orphanet 34520, MedGen C2750786, MONDO:0013177, OMIM 613204.

Submission:

Labcorp Genetics (formerly Invitae), Labcorp
Classification: Uncertain significance for Congenital muscular dystrophy due to integrin alpha-7 deficiency. Last evaluated: 2018-04-09. Review status: criteria provided, single submitter. Criteria: Invitae Variant Classification Sherloc (09022015). Collection method: clinical testing. Allele origin: germline.
Comment: In summary, the available evidence is currently insufficient to determine the role of this variant in disease. Therefore, it has been classified as a Variant of Uncertain Significance. Algorithms developed to predict the effect of missense changes on protein structure and function do not agree on the potential impact of this missense change (SIFT: "Tolerated"; PolyPhen-2: "Probably Damaging"; Align-GVGD: "Class C0"). This variant has not been reported in the literature in individuals with ITGA7-related disease. This variant is not present in population databases (ExAC no frequency). This sequence change replaces glycine with serine at codon 538 of the ITGA7 protein (p.Gly538Ser). The glycine residue is moderately conserved and there is a small physicochemical difference between glycine and serine.